The following is an entry in ClinVar:

ClinVar aggregate classification (germline): Uncertain significance. Review status: criteria provided, multiple submitters, no conflicts (2 of 4 stars). 2 submissions from 2 submitters: Uncertain significance (2). Last evaluated 2025-06-26.

Conditions:
Inborn genetic diseases. Identifiers: MedGen C0950123, MeSH D030342.

Allele frequency attached by ClinVar (database versions not stated): ExAC 0.00003; gnomAD 0.00009; 1000 Genomes Project 30x 0.00031; TOPMed 0.00011; ESP Exome Variant Server 0.00008.
gnomAD v4.1: 35 of 1,612,126 alleles (0.0022%); highest among the groups gnomAD compares: African/African-American, 0.041%; no homozygotes.

Submissions (2):

Ambry Genetics
Classification: Uncertain significance for Inborn genetic diseases. Last evaluated: 2025-06-26. Review status: criteria provided, single submitter. Criteria: Ambry Variant Classification Scheme 2023. Collection method: clinical testing. Allele origin: germline.

Labcorp Genetics (formerly Invitae), Labcorp
Classification: Uncertain significance. Last evaluated: 2024-05-22. Review status: criteria provided, single submitter. Criteria: Invitae Variant Classification Sherloc (09022015). Collection method: clinical testing. Allele origin: germline.
Comment: This sequence change replaces valine, which is neutral and non-polar, with isoleucine, which is neutral and non-polar, at codon 127 of the NANS protein (p.Val127Ile). This variant is present in population databases (rs368710313, gnomAD 0.04%). This variant has not been reported in the literature in individuals affected with NANS-related conditions. ClinVar contains an entry for this variant (Variation ID: 2065341). An algorithm developed to predict the effect of missense changes on protein structure and function (PolyPhen-2) suggests that this variant is likely to be tolerated. In summary, the available evidence is currently insufficient to determine the role of this variant in disease. Therefore, it has been classified as a Variant of Uncertain Significance.

NM_018946.4(NANS):c.379G>A (p.Val127Ile)

Genes: NANS (N-acetylneuraminate synthase; plus strand), TRIM14 (tripartite motif containing 14; minus strand). Cytogenetic location: 9q22.33.
Variant type: single nucleotide variant.
Coding change: c.379G>A on transcript NM_018946.4 (MANE Select); coding-DNA position 379, G replaced by A.
Protein change: p.Val127Ile; replaces valine 127 with isoleucine.
Molecular consequence: missense variant.
Genome position (GRCh38, 1-based): chr9:98,076,948, G>A. VCF-style: chr9-98076948-G-A. GRCh37 (hg19) VCF-style: chr9-100839230-G-A.
Other names: c.379G>A (NM_018946.3); short protein forms V127I.
Identifiers: ClinVar variation 2065341 (VCV002065341.5), dbSNP rs368710313, ClinGen allele CA5150269.